The following is an entry in ClinVar:

ClinVar aggregate classification (germline): Benign. Review status: criteria provided, multiple submitters, no conflicts (2 of 4 stars). 5 submissions from 5 submitters: Benign (5). Last evaluated 2026-01-27.

Conditions:
Meier-Gorlin syndrome 1 (MGORS1). Also called: EAR, PATELLA, SHORT STATURE SYNDROME. Identifiers: Orphanet 2554, MedGen C4552001, MONDO:0009143, OMIM 224690.

Allele frequency attached by ClinVar (database versions not stated): gnomAD exomes 0.00204 and 0.00565; ExAC 0.00690; gnomAD 0.02145 and 0.02312; TOPMed 0.02475; ESP Exome Variant Server 0.02522; 1000 Genomes Project 0.02656; 1000 Genomes Project 30x 0.02858.
gnomAD v4.1: 6,441 of 1,614,110 alleles (0.4%); highest among the groups gnomAD compares: African/African-American, 7.2%; 194 homozygotes.

Submissions (5):

Labcorp Genetics (formerly Invitae), Labcorp
Classification: Benign. Last evaluated: 2026-01-27. Review status: criteria provided, single submitter. Criteria: Invitae Variant Classification Sherloc (09022015). Collection method: clinical testing. Allele origin: germline.

GeneDx
Classification: Benign. Last evaluated: 2021-05-05. Review status: criteria provided, single submitter. Criteria: GeneDx Variant Classification Process June 2021. Collection method: clinical testing. Allele origin: germline. Affected: yes.

Illumina Laboratory Services, Illumina
Classification: Benign for Meier-Gorlin syndrome 1. Last evaluated: 2018-01-13. Review status: criteria provided, single submitter. Criteria: ICSL Variant Classification Criteria 13 December 2019. Collection method: clinical testing. Allele origin: germline.
Comment: This variant was observed in the ICSL laboratory as part of a predisposition screen in an ostensibly healthy population. It had not been previously curated by ICSL or reported in the Human Gene Mutation Database (HGMD: prior to June 1st, 2018), and was therefore a candidate for classification through an automated scoring system. Utilizing variant allele frequency, disease prevalence and penetrance estimates, and inheritance mode, an automated score was calculated to assess if this variant is too frequent to cause the disease. Based on the score and internal cut-off values, a variant classified as benign is not then subjected to further curation. The score for this variant resulted in a classification of benign for this disease.

Genetic Services Laboratory, University of Chicago
Classification: Benign for AllHighlyPenetrant. Last evaluated: 2013-04-02. Review status: criteria provided, single submitter. Criteria: ACMG Guidelines, 2007. Collection method: clinical testing. Allele origin: germline. Inheritance: Autosomal recessive inheritance.

Breakthrough Genomics
Classification: Benign. Review status: criteria provided, single submitter. Criteria: ACMG Guidelines, 2015. Collection method: not provided. Allele origin: germline. Inheritance: Autosomal recessive inheritance. Affected: yes.

NM_004153.4(ORC1):c.568G>A (p.Val190Met)

Gene: ORC1 (origin recognition complex subunit 1; minus strand). Cytogenetic location: 1p32.3.
Variant type: single nucleotide variant.
Coding change: c.568G>A on transcript NM_004153.4 (MANE Select); coding-DNA position 568, G replaced by A.
Protein change: p.Val190Met; replaces valine 190 with methionine.
Molecular consequence: missense variant.
Genome position (GRCh38, 1-based): chr1:52,396,199, C>T on the plus strand (G>A on the coding strand, the complement: ORC1 is on the minus strand). VCF-style: chr1-52396199-C-T. GRCh37 (hg19) VCF-style: chr1-52861871-C-T.
Other names: c.568G>A, p.Val190Met (NM_001190818.2, NM_001190819.2); short protein forms V190M.
Identifiers: ClinVar variation 129863 (VCV000129863.22), dbSNP rs3087477, ClinGen allele CA154202.